The following is an entry in ClinVar:

ClinVar aggregate classification (germline): Benign. Review status: criteria provided, multiple submitters, no conflicts (2 of 4 stars). 15 submissions from 14 submitters: Benign (11). 4 of the submissions do not count toward it. Last evaluated 2026-02-04.

Conditions:
WFS1-Related Spectrum Disorders.
Autosomal dominant nonsyndromic hearing loss 6 (LFSNHL). Also called: DEAFNESS, AUTOSOMAL DOMINANT 6; DEAFNESS, AUTOSOMAL DOMINANT 14; DEAFNESS, AUTOSOMAL DOMINANT 38; Autosomal dominant nonsyndromic deafness 6. Identifiers: Orphanet 90635, MedGen C1833021, MONDO:0010963, OMIM 600965.

Allele frequency attached by ClinVar (database versions not stated): gnomAD 0.70506; ESP Exome Variant Server 0.71175; TOPMed 0.73052; 1000 Genomes Project 0.77995; 1000 Genomes Project 30x 0.78201.
gnomAD v4.1: 1,127,544 of 1,612,712 alleles (70%); highest among the groups gnomAD compares: East Asian, 96%; 397,452 homozygotes.

Submissions (15):

Labcorp Genetics (formerly Invitae), Labcorp
Classification: Benign. Last evaluated: 2026-02-04. Review status: criteria provided, single submitter. Criteria: Invitae Variant Classification Sherloc (09022015). Collection method: clinical testing. Allele origin: germline.

ARUP Laboratories, Molecular Genetics and Genomics, ARUP Laboratories
Classification: Benign. Last evaluated: 2025-07-30. Review status: criteria provided, single submitter. Criteria: ARUP Molecular Germline Variant Investigation Process 2024. Collection method: clinical testing. Allele origin: germline.

Blueprint Genetics
Classification: Benign. Last evaluated: 2024-11-27. Review status: criteria provided, single submitter. Criteria: ACMG Guidelines, 2015. Collection method: clinical testing. Allele origin: germline.

Mayo Clinic Laboratories, Mayo Clinic
Classification: Benign. Last evaluated: 2023-01-03. Review status: criteria provided, single submitter. Criteria: ACMG Guidelines, 2015. Collection method: clinical testing. Allele origin: germline. Observed: 588 variant alleles.
Comment: BA1

Illumina Laboratory Services, Illumina
Classification: Benign for WFS1-Related Spectrum Disorders. Last evaluated: 2017-04-27. Review status: criteria provided, single submitter. Criteria: ICSL Variant Classification Criteria 13 December 2019. Collection method: clinical testing. Allele origin: germline.
Comment: This variant was observed as part of a predisposition screen in an ostensibly healthy population. A literature search was performed for the gene, cDNA change, and amino acid change (where applicable). No publications were found based on this search. Allele frequency data from public databases was too high to be consistent with this variant causing disease. Therefore, this variant is classified as benign.

Illumina Laboratory Services, Illumina
Classification: Benign for Autosomal dominant nonsyndromic hearing loss 6. Last evaluated: 2017-04-27. Review status: criteria provided, single submitter. Criteria: ICSL Variant Classification Criteria 13 December 2019. Collection method: clinical testing. Allele origin: germline.
Comment: the same text as in the submission from Illumina Laboratory Services, Illumina above.

GeneDx
Classification: Benign. Last evaluated: 2015-03-03. Review status: criteria provided, single submitter. Criteria: GeneDx Variant Classification Process June 2021. Collection method: clinical testing. Allele origin: germline. Affected: yes.
Comment: This variant is associated with the following publications: (PMID: 12107816)

Eurofins Ntd Llc (ga)
Classification: Benign. Last evaluated: 2013-07-30. Review status: criteria provided, single submitter. Criteria: EGL Classification Definitions 2015. Collection method: clinical testing. Allele origin: germline. Observed: 50 variant alleles, 18 heterozygotes, 32 homozygotes.

Laboratory for Molecular Medicine, Mass General Brigham Personalized Medicine
Classification: Benign. Last evaluated: 2012-02-28. Review status: criteria provided, single submitter. Criteria: LMM Criteria. Collection method: clinical testing. Allele origin: germline. Observed: 1,458 variant alleles.

Breakthrough Genomics
Classification: Benign. Review status: criteria provided, single submitter. Criteria: ACMG Guidelines, 2015. Collection method: not provided. Allele origin: germline. Inheritance: Autosomal recessive inheritance. Affected: yes.

PreventionGenetics, part of Exact Sciences
Classification: Benign. Review status: criteria provided, single submitter. Criteria: ACMG Guidelines, 2015. Collection method: clinical testing. Allele origin: germline.

Clinical Genetics DNA and cytogenetics Diagnostics Lab, Erasmus MC, Erasmus Medical Center
Classification: Benign. Review status: no assertion criteria provided. Collection method: clinical testing. Allele origin: germline. Affected: yes. Study: VKGL Data-share Consensus. Not counted in ClinVar's aggregate classification.

Diagnostic Laboratory, Department of Genetics, University Medical Center Groningen
Classification: Benign. Review status: no assertion criteria provided. Collection method: clinical testing. Allele origin: germline. Affected: yes. Study: VKGL Data-share Consensus. Not counted in ClinVar's aggregate classification.

Genetic Services Laboratory, University of Chicago
Classification: Likely benign for AllHighlyPenetrant. Review status: no assertion criteria provided. Collection method: clinical testing. Allele origin: germline. Inheritance: Autosomal recessive inheritance. Not counted in ClinVar's aggregate classification.
Comment: Likely benign based on allele frequency in 1000 Genomes Project or ESP global frequency and its presence in a patient with a rare or unrelated disease phenotype. NOT Sanger confirmed.

Joint Genome Diagnostic Labs from Nijmegen and Maastricht, Radboudumc and MUMC+
Classification: Benign. Review status: no assertion criteria provided. Collection method: clinical testing. Allele origin: germline. Affected: yes. Study: VKGL Data-share Consensus. Not counted in ClinVar's aggregate classification.

NM_006005.3(WFS1):c.2565A>G (p.Ser855=)

Gene: WFS1 (wolframin ER transmembrane glycoprotein; plus strand). Cytogenetic location: 4p16.1.
Variant type: single nucleotide variant.
Coding change: c.2565A>G on transcript NM_006005.3 (MANE Select); coding-DNA position 2565, A replaced by G.
Protein change: p.Ser855=; no amino-acid change (serine 855 retained).
Molecular consequence: synonymous variant.
Genome position (GRCh38, 1-based): chr4:6,302,360, A>G. VCF-style: chr4-6302360-A-G. GRCh37 (hg19) VCF-style: chr4-6304087-A-G.
Other names: p.Ser855=; c.2565A>G, p.Ser855= (NM_001145853.1).
Identifiers: ClinVar variation 45456 (VCV000045456.48), dbSNP rs1046316, ClinGen allele CA136356.